The following is an entry in ClinVar:

NM_006514.4(SCN10A):c.1270A>T (p.Met424Leu)

Gene: SCN10A (sodium voltage-gated channel alpha subunit 10; minus strand). Cytogenetic location: 3p22.2.
Variant type: single nucleotide variant.
Coding change: c.1270A>T on transcript NM_006514.4 (MANE Select); coding-DNA position 1270, A replaced by T.
Protein change: p.Met424Leu; replaces methionine 424 with leucine.
Molecular consequence: missense variant.
Genome position (GRCh38, 1-based): chr3:38,756,694, T>A on the plus strand (A>T on the coding strand, the complement: SCN10A is on the minus strand). VCF-style: chr3-38756694-T-A. GRCh37 (hg19) VCF-style: chr3-38798185-T-A.
Other names: c.1270A>T, p.Met424Leu (NM_001293306.2, NM_001293307.2); short protein forms M424L.
Identifiers: ClinVar variation 2121023 (VCV002121023.4), dbSNP rs2470790789, ClinGen allele CA352169248.

ClinVar aggregate classification (germline): Uncertain significance (1 of 4 stars; one submission).

Conditions:
Brugada syndrome. Also called: Sudden Unexplained Death Syndrome; Sudden Unexplained Nocturnal Death Syndrome (SUNDS); Sudden unexpected nocturnal death syndrome; Sudden unexplained nocturnal death syndrome. Identifiers: Orphanet 130, MedGen C1142166, MONDO:0015263.

Submission:

Labcorp Genetics (formerly Invitae), Labcorp
Classification: Uncertain significance for Brugada syndrome. Last evaluated: 2022-04-03. Review status: criteria provided, single submitter. Criteria: Invitae Variant Classification Sherloc (09022015). Collection method: clinical testing. Allele origin: germline.
Comment: In summary, the available evidence is currently insufficient to determine the role of this variant in disease. Therefore, it has been classified as a Variant of Uncertain Significance. Advanced modeling of protein sequence and biophysical properties (such as structural, functional, and spatial information, amino acid conservation, physicochemical variation, residue mobility, and thermodynamic stability) performed at Invitae indicates that this missense variant is not expected to disrupt SCN10A protein function. This variant has not been reported in the literature in individuals affected with SCN10A-related conditions. This variant is not present in population databases (gnomAD no frequency). This sequence change replaces methionine, which is neutral and non-polar, with leucine, which is neutral and non-polar, at codon 424 of the SCN10A protein (p.Met424Leu).